The following is an entry in ClinVar:

NM_177438.3(DICER1):c.2267G>A (p.Cys756Tyr)

Gene: DICER1 (dicer 1, ribonuclease III; minus strand). Cytogenetic location: 14q32.13.
Variant type: single nucleotide variant.
Coding change: c.2267G>A on transcript NM_177438.3 (MANE Select); coding-DNA position 2267, G replaced by A.
Protein change: p.Cys756Tyr; replaces cysteine 756 with tyrosine.
Molecular consequence: missense variant. On other transcripts: non-coding transcript variant (6).
Genome position (GRCh38, 1-based): chr14:95,108,493, C>T on the plus strand (G>A on the coding strand, the complement: DICER1 is on the minus strand). VCF-style: chr14-95108493-C-T. GRCh37 (hg19) VCF-style: chr14-95574830-C-T.
Other names: c.2267G>A, p.Cys756Tyr (NM_001195573.1, NM_001271282.3, NM_001291628.2 and 13 more transcripts); c.1985G>A, p.Cys662Tyr (NM_001395686.1); c.1862G>A, p.Cys621Tyr (NM_001395687.1, NM_001395688.1, NM_001395689.1 and 2 more transcripts); c.1700G>A, p.Cys567Tyr (NM_001395691.1); c.584G>A, p.Cys195Tyr (NM_001395697.1); short protein forms C621Y, C195Y, C567Y, C662Y, C756Y.
Identifiers: ClinVar variation 2107045 (VCV002107045.4), dbSNP rs2140033906, ClinGen allele CA390882421.

ClinVar aggregate classification (germline): Uncertain significance (1 of 4 stars; one submission).

Conditions:
DICER1-related tumor predisposition. Also called: DICER1 syndrome; DICER1-related pleuropulmonary blastoma cancer predisposition syndrome. Identifiers: Orphanet 284343, MedGen C3839822, MONDO:0100216.

Submission:

Labcorp Genetics (formerly Invitae), Labcorp
Classification: Uncertain significance for DICER1-related tumor predisposition. Last evaluated: 2022-03-05. Review status: criteria provided, single submitter. Criteria: Invitae Variant Classification Sherloc (09022015). Collection method: clinical testing. Allele origin: germline.
Comment: This sequence change replaces cysteine, which is neutral and slightly polar, with tyrosine, which is neutral and polar, at codon 756 of the DICER1 protein (p.Cys756Tyr). This variant is not present in population databases (gnomAD no frequency). This variant has not been reported in the literature in individuals affected with DICER1-related conditions. Algorithms developed to predict the effect of missense changes on protein structure and function are either unavailable or do not agree on the potential impact of this missense change (SIFT: "Tolerated"; PolyPhen-2: "Probably Damaging"; Align-GVGD: "Class C0"). In summary, the available evidence is currently insufficient to determine the role of this variant in disease. Therefore, it has been classified as a Variant of Uncertain Significance.